The following is an entry in ClinVar:

NM_032977.4(CASP10):c.1415+1G>A

Gene: CASP10 (caspase 10; plus strand). Cytogenetic location: 2q33.1.
Variant type: single nucleotide variant.
Coding change: c.1415+1G>A on transcript NM_032977.4 (MANE Select); the canonical splice donor site of the intron after coding-DNA position 1415, G replaced by A.
Molecular consequence: splice donor variant.
Genome position (GRCh38, 1-based): chr2:201,209,563, G>A. VCF-style: chr2-201209563-G-A. GRCh37 (hg19) VCF-style: chr2-202074286-G-A.
Other names: c.1415+1G>A (NM_032974.5); c.1286+1G>A (NM_001206542.2, NM_001230.5); c.*501+1G>A (NM_032976.4); c.1214+1G>A (NM_001206524.2).
Identifiers: ClinVar variation 851636 (VCV000851636.7), dbSNP rs757635087, ClinGen allele CA2053238.

ClinVar aggregate classification (germline): Uncertain significance (1 of 4 stars; one submission).

Conditions:
Autoimmune lymphoproliferative syndrome type 2A (ALPS2A). Also called: AUTOIMMUNE LYMPHOPROLIFERATIVE SYNDROME, TYPE IIA; Autoimmune lymphoproliferative syndrome type 2; CASP10-Related Autoimmune Lymphoproliferative Syndrome. Identifiers: Orphanet 3261, MedGen C1858968, MONDO:0011383, OMIM 603909.

Allele frequency attached by ClinVar (database versions not stated): gnomAD exomes 0.00002; TOPMed 0.00002; ExAC 0.00003; gnomAD 0.00005.
gnomAD v4.1: 33 of 1,600,350 alleles (0.0021%); highest among the groups gnomAD compares: African/African-American, 0.011%; no homozygotes.

Submission:

Labcorp Genetics (formerly Invitae), Labcorp
Classification: Uncertain significance for Autoimmune lymphoproliferative syndrome type 2A. Last evaluated: 2022-05-31. Review status: criteria provided, single submitter. Criteria: Invitae Variant Classification Sherloc (09022015). Collection method: clinical testing. Allele origin: germline.
Comment: This sequence change falls in intron 9 of the CASP10 gene. It does not directly change the encoded amino acid sequence of the CASP10 protein. It affects a nucleotide within the consensus splice site. This variant is present in population databases (rs757635087, gnomAD 0.01%). This variant has not been reported in the literature in individuals affected with CASP10-related conditions. ClinVar contains an entry for this variant (Variation ID: 851636). Variants that disrupt the consensus splice site are a relatively common cause of aberrant splicing (PMID: 17576681, 9536098). Algorithms developed to predict the effect of sequence changes on RNA splicing suggest that this variant may disrupt the consensus splice site. In summary, the available evidence is currently insufficient to determine the role of this variant in disease. Therefore, it has been classified as a Variant of Uncertain Significance.

Literature cited by the submitters: PubMed 17576681; PubMed 9536098.